The following is an entry in ClinVar:

ClinVar aggregate classification (germline): Likely benign. Review status: criteria provided, single submitter (1 of 4 stars). 2 submissions from 2 submitters: Likely benign (1). 1 of the submissions does not count toward it. Last evaluated 2024-08-31.

Conditions:
MYO5B-related disorder. Also called: MYO5B-related condition.

Allele frequency attached by ClinVar (database versions not stated): ExAC 0.00001; gnomAD exomes 0.00001; gnomAD 0.00003 and 0.00004; TOPMed 0.00005.
gnomAD v4.1: 13 of 1,611,664 alleles (0.00081%); highest among the groups gnomAD compares: African/African-American, 0.013%; no homozygotes.

Submissions (2):

Labcorp Genetics (formerly Invitae), Labcorp
Classification: Likely benign. Last evaluated: 2024-08-31. Review status: criteria provided, single submitter. Criteria: Invitae Variant Classification Sherloc (09022015). Collection method: clinical testing. Allele origin: germline.

PreventionGenetics, part of Exact Sciences
Classification: Likely benign for MYO5B-related condition. Last evaluated: 2023-07-06. Review status: no assertion criteria provided. Collection method: clinical testing. Allele origin: germline. Not counted in ClinVar's aggregate classification.
Comment: This variant is classified as likely benign based on ACMG/AMP sequence variant interpretation guidelines (Richards et al. 2015 PMID: 25741868, with internal and published modifications).

NM_001080467.3(MYO5B):c.1323-9A>G

Gene: MYO5B (myosin VB; minus strand). Cytogenetic location: 18q21.1.
Variant type: single nucleotide variant.
Coding change: c.1323-9A>G on transcript NM_001080467.3 (MANE Select); 9 bases into the intron before coding-DNA position 1323, A replaced by G.
Molecular consequence: intron variant.
Genome position (GRCh38, 1-based): chr18:49,963,039, T>C on the plus strand (A>G on the coding strand, the complement: MYO5B is on the minus strand). VCF-style: chr18-49963039-T-C. GRCh37 (hg19) VCF-style: chr18-47489409-T-C.
Other names: c.1323-9A>G (NM_001080467.2).
Identifiers: ClinVar variation 1628785 (VCV001628785.10), dbSNP rs781030194, ClinGen allele CA8961560.